The following is an entry in ClinVar:

ClinVar aggregate classification (germline): Likely benign. Review status: criteria provided, multiple submitters, no conflicts (2 of 4 stars). 3 submissions from 3 submitters: Likely benign (2). 1 of the submissions does not count toward it. Last evaluated 2025-09-28.

Conditions:
NFIA-Related Disorder. Also called: NFIA-related condition; NFIA-related disorders. Identifiers: MedGen CN381099.

Allele frequency attached by ClinVar (database versions not stated): gnomAD 0.00001; TOPMed 0.00001; ExAC 0.00002; gnomAD exomes 0.00002.
gnomAD v4.1: 29 of 1,613,900 alleles (0.0018%); highest among the groups gnomAD compares: Middle Eastern, 0.016%; no homozygotes.

Submissions (3):

Labcorp Genetics (formerly Invitae), Labcorp
Classification: Likely benign. Last evaluated: 2025-09-28. Review status: criteria provided, single submitter. Criteria: Invitae Variant Classification Sherloc (09022015). Collection method: clinical testing. Allele origin: germline.

Blueprint Genetics
Classification: Likely benign. Last evaluated: 2019-08-22. Review status: criteria provided, single submitter. Criteria: ACMG Guidelines, 2015. Collection method: clinical testing. Allele origin: germline.

PreventionGenetics, part of Exact Sciences
Classification: Likely benign for NFIA-related condition. Last evaluated: 2023-11-08. Review status: no assertion criteria provided. Collection method: clinical testing. Allele origin: germline. Not counted in ClinVar's aggregate classification.
Comment: This variant is classified as likely benign based on ACMG/AMP sequence variant interpretation guidelines (Richards et al. 2015 PMID: 25741868, with internal and published modifications).

NM_001134673.4(NFIA):c.1227G>A (p.Gln409=)

Gene: NFIA (nuclear factor I A; plus strand). Cytogenetic location: 1p31.3.
Variant type: single nucleotide variant.
Coding change: c.1227G>A on transcript NM_001134673.4 (MANE Select); coding-DNA position 1227, G replaced by A.
Protein change: p.Gln409=; no amino-acid change (glutamine 409 retained).
Molecular consequence: synonymous variant.
Genome position (GRCh38, 1-based): chr1:61,404,255, G>A. VCF-style: chr1-61404255-G-A. GRCh37 (hg19) VCF-style: chr1-61869927-G-A.
Other names: c.1203G>A, p.Gln401= (NM_001145511.2); c.1362G>A, p.Gln454= (NM_001145512.2); c.1227G>A, p.Gln409= (NM_005595.5); c.1227G>A (NM_005595.4).
Identifiers: ClinVar variation 1914396 (VCV001914396.8), dbSNP rs753179753, ClinGen allele CA881150.